The following is an entry in ClinVar:

ClinVar aggregate classification (germline): Uncertain significance. Review status: criteria provided, multiple submitters, no conflicts (2 of 4 stars). 2 submissions from 2 submitters: Uncertain significance (2). Last evaluated 2022-12-01.

Conditions:
Hereditary cancer-predisposing syndrome. Also called: Neoplastic Syndromes, Hereditary; Tumor predisposition; Hereditary neoplastic syndrome; Hereditary Cancer Syndrome. Identifiers: Orphanet 140162, MedGen C0027672, MeSH D009386, MONDO:0015356.

Submissions (2):

Ambry Genetics
Classification: Uncertain significance for Hereditary cancer-predisposing syndrome. Last evaluated: 2022-12-01. Review status: criteria provided, single submitter. Criteria: Ambry Variant Classification Scheme 2023. Collection method: clinical testing. Allele origin: germline.
Comment: The p.N231K variant (also known as c.693T>G), located in coding exon 6 of the NBN gene, results from a T to G substitution at nucleotide position 693. The asparagine at codon 231 is replaced by lysine, an amino acid with similar properties. This amino acid position is not well conserved in available vertebrate species. In addition, this alteration is predicted to be tolerated by in silico analysis. Since supporting evidence is limited at this time, the clinical significance of this alteration remains unclear.

GeneDx
Classification: Uncertain significance. Last evaluated: 2022-05-12. Review status: criteria provided, single submitter. Criteria: GeneDx Variant Classification Process June 2021. Collection method: clinical testing. Allele origin: germline. Affected: yes.
Comment: Not observed at significant frequency in large population cohorts (gnomAD); In silico analysis supports that this missense variant has a deleterious effect on protein structure/function; Has not been previously published as pathogenic or benign to our knowledge; This variant is associated with the following publications: (PMID: 24894818)

NM_002485.5(NBN):c.693T>G (p.Asn231Lys)

Gene: NBN (nibrin; minus strand). Cytogenetic location: 8q21.3.
Variant type: single nucleotide variant.
Coding change: c.693T>G on transcript NM_002485.5 (MANE Select); coding-DNA position 693, T replaced by G.
Protein change: p.Asn231Lys; replaces asparagine 231 with lysine.
Molecular consequence: missense variant.
Genome position (GRCh38, 1-based): chr8:89,971,182, A>C on the plus strand (T>G on the coding strand, the complement: NBN is on the minus strand). VCF-style: chr8-89971182-A-C. GRCh37 (hg19) VCF-style: chr8-90983410-A-C.
Other names: c.447T>G, p.Asn149Lys (NM_001024688.3); short protein forms N149K, N231K.
Identifiers: ClinVar variation 1723836 (VCV001723836.4), dbSNP rs878854514, ClinGen allele CA371658936.
Genomic context (GRCh38, chr8:89,971,182, plus strand): 5'-TCCTAGTTTGTAATGTATTCTTTAGGAAAATTTAGCTTATAACATAATTACCTGTTTGGC[A>C]TTCAAAAATATAAATGTTTTCCCTTTGAAGATTTGTTTTCTTTCCTGCCGTCCTGACAGA-3'
Protein context (NP_002476.2, residues 221-241): IFKGKTFIFL[Asn231Lys]AKQHKKLSSA